The following is an entry in ClinVar:

ClinVar aggregate classification (germline): Uncertain significance (1 of 4 stars; one submission).

Submission:

Labcorp Genetics (formerly Invitae), Labcorp
Classification: Uncertain significance. Last evaluated: 2025-05-01. Review status: criteria provided, single submitter. Criteria: Invitae Variant Classification Sherloc (09022015). Collection method: clinical testing. Allele origin: germline.
Comment: This sequence change falls in intron 12 of the MICAL1 gene. It does not directly change the encoded amino acid sequence of the MICAL1 protein. It affects a nucleotide within the consensus splice site. This variant is not present in population databases (gnomAD no frequency). This variant has not been reported in the literature in individuals affected with MICAL1-related conditions. Variants that disrupt the consensus splice site are a relatively common cause of aberrant splicing (PMID: 17576681, 9536098). Algorithms developed to predict the effect of sequence changes on RNA splicing suggest that this variant may disrupt the consensus splice site. In summary, the available evidence is currently insufficient to determine the role of this variant in disease. Therefore, it has been classified as a Variant of Uncertain Significance.

Literature cited by the submitters: PubMed 17576681; PubMed 9536098.

NM_022765.4(MICAL1):c.1664+2dup

Gene: MICAL1 (microtubule associated monooxygenase, calponin and LIM domain containing 1; minus strand). Cytogenetic location: 6q21.
Variant type: Duplication.
Coding change: c.1664+2dup on transcript NM_022765.4 (MANE Select); the canonical splice donor site of the intron after coding-DNA position 1664, one base duplicated (T; older notation c.1664+2dupT).
Molecular consequence: splice donor variant.
Genome position (GRCh38, 1-based): chr6:109,448,730, A duplicated on the plus strand (T on the coding strand, the reverse complement: MICAL1 is on the minus strand). VCF-style (leftmost placement, unchanged base first): chr6-109448729-C-CA. GRCh37 (hg19) VCF-style: chr6-109769932-C-CA.
Other names: c.1721+2dup (NM_001286613.2); c.1406+2dup (NM_001159291.2).
Identifiers: ClinVar variation 4718386 (VCV004718386.1).
Genomic context (GRCh38, chr6:109,448,729, plus strand): 5'-AACTGGATATGCTAACTCCTACACTGAGATCATGAGAGAGAGGTGGGTCTGCCAGGGACT[C>CA]ACAGCAGGCCAGGCTGCAGCCGGTACACCAGGGCACACAGAGCTAGCCCATCAGCCCAGG-3'